The following is an entry in ClinVar:

NM_025137.4(SPG11):c.4834C>T (p.Gln1612Ter)

Gene: SPG11 (SPG11 vesicle trafficking associated, spatacsin; minus strand). Cytogenetic location: 15q21.1.
Variant type: single nucleotide variant.
Coding change: c.4834C>T on transcript NM_025137.4 (MANE Select); coding-DNA position 4834, C replaced by T.
Protein change: p.Gln1612Ter; replaces glutamine 1612 with a stop codon.
Molecular consequence: nonsense.
Genome position (GRCh38, 1-based): chr15:44,589,324, G>A on the plus strand (C>T on the coding strand, the complement: SPG11 is on the minus strand). VCF-style: chr15-44589324-G-A. GRCh37 (hg19) VCF-style: chr15-44881522-G-A.
Other names: c.4834C>T, p.Gln1612Ter (NM_001160227.2, NM_001411132.1); short protein forms Q1612*.
Identifiers: ClinVar variation 2780294 (VCV002780294.3), dbSNP rs2505324758, ClinGen allele CA392224273.

ClinVar aggregate classification (germline): Pathogenic (1 of 4 stars; one submission).

Conditions:
Hereditary spastic paraplegia 11. Also called: SPASTIC PARAPLEGIA, AUTOSOMAL RECESSIVE, COMPLICATED, WITH THIN CORPUS CALLOSUM; SPASTIC PARAPLEGIA, AUTOSOMAL RECESSIVE, WITH MENTAL IMPAIRMENT AND THIN CORPUS CALLOSUM; Spastic Paraplegia 11; Nakamura Osame syndrome; Autosomal recessive hereditary spastic paraplegia, mental impairment, and thin corpus callosum; Spastic paraplegia, mental retardation and thin corpus callosum. Identifiers: Orphanet 2822, MedGen C1858479, MONDO:0011445, OMIM 604360.

Submission:

Labcorp Genetics (formerly Invitae), Labcorp
Classification: Pathogenic for Hereditary spastic paraplegia 11. Last evaluated: 2024-01-25. Review status: criteria provided, single submitter. Criteria: Invitae Variant Classification Sherloc (09022015). Collection method: clinical testing. Allele origin: germline.
Comment: This sequence change creates a premature translational stop signal (p.Gln1612*) in the SPG11 gene. It is expected to result in an absent or disrupted protein product. Loss-of-function variants in SPG11 are known to be pathogenic (PMID: 19105190, 20110243, 22154821, 26556829). This variant is not present in population databases (gnomAD no frequency). This premature translational stop signal has been observed in individual(s) with hereditary spastic paraplegia (PMID: 33430805). Algorithms developed to predict the effect of sequence changes on RNA splicing suggest that this variant may disrupt the consensus splice site. For these reasons, this variant has been classified as Pathogenic.

Literature cited by the submitters: PubMed 19105190; PubMed 20110243; PubMed 22154821; PubMed 26556829; PubMed 33430805.